The following is an entry in ClinVar:

NM_004385.5(VCAN):c.7348G>A (p.Ala2450Thr)

Genes: VCAN (versican; plus strand), VCAN-AS1 (VCAN antisense RNA 1; minus strand). Cytogenetic location: 5q14.3.
Variant type: single nucleotide variant.
Coding change: c.7348G>A on transcript NM_004385.5 (MANE Select); coding-DNA position 7348, G replaced by A.
Protein change: p.Ala2450Thr; replaces alanine 2450 with threonine.
Molecular consequence: missense variant. On other transcripts: intron variant (2).
Genome position (GRCh38, 1-based): chr5:83,540,351, G>A. VCF-style: chr5-83540351-G-A. GRCh37 (hg19) VCF-style: chr5-82836170-G-A.
Other names: c.4387G>A, p.Ala1463Thr (NM_001164097.2); c.4004-5186G>A (NM_001164098.2); c.1043-5186G>A (NM_001126336.3); short protein forms A1463T, A2450T.
Identifiers: ClinVar variation 3620764 (VCV003620764.2).

ClinVar aggregate classification (germline): Uncertain significance (1 of 4 stars; one submission).

gnomAD v4.1: 42 of 1,613,886 alleles (0.0026%); highest among the groups gnomAD compares: Non-Finnish European, 0.0033%; no homozygotes.

Submission:

Labcorp Genetics (formerly Invitae), Labcorp
Classification: Uncertain significance. Last evaluated: 2025-03-24. Review status: criteria provided, single submitter. Criteria: Invitae Variant Classification Sherloc (09022015). Collection method: clinical testing. Allele origin: germline.
Comment: This sequence change replaces alanine, which is neutral and non-polar, with threonine, which is neutral and polar, at codon 2450 of the VCAN protein (p.Ala2450Thr). This variant is present in population databases (rs768753163, gnomAD 0.01%). This variant has not been reported in the literature in individuals affected with VCAN-related conditions. An algorithm developed to predict the effect of missense changes on protein structure and function outputs the following: PolyPhen-2: "Benign". The threonine amino acid residue is found in multiple mammalian species, which suggests that this missense change does not adversely affect protein function. In summary, the available evidence is currently insufficient to determine the role of this variant in disease. Therefore, it has been classified as a Variant of Uncertain Significance.